The following is an entry in ClinVar:

NM_001845.6(COL4A1):c.3247G>A (p.Glu1083Lys)

Gene: COL4A1 (collagen type IV alpha 1 chain; minus strand). Cytogenetic location: 13q34.
Variant type: single nucleotide variant.
Coding change: c.3247G>A on transcript NM_001845.6 (MANE Select); coding-DNA position 3247, G replaced by A.
Protein change: p.Glu1083Lys; replaces glutamic acid 1083 with lysine.
Molecular consequence: missense variant.
Genome position (GRCh38, 1-based): chr13:110,174,701, C>T on the plus strand (G>A on the coding strand, the complement: COL4A1 is on the minus strand). VCF-style: chr13-110174701-C-T. GRCh37 (hg19) VCF-style: chr13-110827048-C-T.
Other names: short protein forms E1083K.
Identifiers: ClinVar variation 3900100 (VCV003900100.5).

ClinVar aggregate classification (germline): Uncertain significance. Review status: criteria provided, multiple submitters, no conflicts (2 of 4 stars). 2 submissions from 2 submitters: Uncertain significance (2). Last evaluated 2026-01-01.

gnomAD v4.1: 3 of 1,613,888 alleles (0.00019%); highest among the groups gnomAD compares: Non-Finnish European, 0.00025%; no homozygotes.

Submissions (2):

CeGaT Center for Human Genetics Tuebingen
Classification: Uncertain significance. Last evaluated: 2026-01-01. Review status: criteria provided, single submitter. Criteria: CeGaT Center For Human Genetics Tuebingen Variant Classification Criteria Version 2. Collection method: clinical testing. Allele origin: germline. Affected: yes. Observed: 1 variant allele.
Comment: COL4A1: PM2

GeneDx
Classification: Uncertain significance. Last evaluated: 2024-11-26. Review status: criteria provided, single submitter. Criteria: GeneDx Variant Classification Process June 2021. Collection method: clinical testing. Allele origin: germline. Affected: yes.
Comment: Not observed at significant frequency in large population cohorts (gnomAD); In silico analysis indicates that this missense variant does not alter protein structure/function; Occurs in the triple helical domain at the X position in the canonical Gly-X-Y repeat; although this variant may have an effect on normal protein folding and function, missense substitution at the X position is not a common mechanism of disease; Has not been previously published as pathogenic or benign to our knowledge